The following is an entry in ClinVar:

NM_005045.4(RELN):c.5989G>T (p.Val1997Leu)

Gene: RELN (reelin; minus strand). Cytogenetic location: 7q22.1.
Variant type: single nucleotide variant.
Coding change: c.5989G>T on transcript NM_005045.4 (MANE Select); coding-DNA position 5989, G replaced by T.
Protein change: p.Val1997Leu; replaces valine 1997 with leucine.
Molecular consequence: missense variant.
Genome position (GRCh38, 1-based): chr7:103,553,544, C>A on the plus strand (G>T on the coding strand, the complement: RELN is on the minus strand). VCF-style: chr7-103553544-C-A. GRCh37 (hg19) VCF-style: chr7-103193991-C-A.
Other names: c.5989G>T, p.Val1997Leu (NM_173054.3); short protein forms V1997L.
Identifiers: ClinVar variation 3758501 (VCV003758501.2).

ClinVar aggregate classification (germline): Uncertain significance (1 of 4 stars; one submission).

Conditions:
Norman-Roberts syndrome (LIS2). Also called: Lissencephaly 2 (Norman-Roberts type). Identifiers: Orphanet 89844, MedGen C0796089, MONDO:0009760, OMIM 257320.
Familial temporal lobe epilepsy 7. Identifiers: Orphanet 101046, MedGen C4225327, MONDO:0014639, OMIM 616436.

Submission:

Labcorp Genetics (formerly Invitae), Labcorp
Classification: Uncertain significance for Familial temporal lobe epilepsy 7; Norman-Roberts syndrome. Last evaluated: 2025-03-30. Review status: criteria provided, single submitter. Criteria: Invitae Variant Classification Sherloc (09022015). Collection method: clinical testing. Allele origin: germline.
Comment: This sequence change replaces valine, which is neutral and non-polar, with leucine, which is neutral and non-polar, at codon 1997 of the RELN protein (p.Val1997Leu). This variant is not present in population databases (gnomAD no frequency). This variant has not been reported in the literature in individuals affected with RELN-related conditions. Invitae Evidence Modeling of protein sequence and biophysical properties (such as structural, functional, and spatial information, amino acid conservation, physicochemical variation, residue mobility, and thermodynamic stability) has been performed for this missense variant. However, the output from this modeling did not meet the statistical confidence thresholds required to predict the impact of this variant on RELN protein function. In summary, the available evidence is currently insufficient to determine the role of this variant in disease. Therefore, it has been classified as a Variant of Uncertain Significance.